The following is an entry in ClinVar:

ClinVar aggregate classification (germline): Conflicting classifications of pathogenicity. Review status: criteria provided, conflicting classifications (1 of 4 stars). 4 submissions from 4 submitters: Uncertain significance (3); Likely benign (1). Last evaluated 2025-10-29.

Conditions:
T-B+ severe combined immunodeficiency due to JAK3 deficiency. Also called: SCID, autosomal recessive, T-negative/B-positive type; SCID, T CELL-NEGATIVE, B CELL-POSITIVE, NK CELL-NEGATIVE. Identifiers: Orphanet 35078, MedGen C1833275, MONDO:0010938, OMIM 600802.

Allele frequency attached by ClinVar (database versions not stated): gnomAD exomes 0.00004; ExAC 0.00006; gnomAD 0.00006 and 0.00008; ESP Exome Variant Server 0.00008; TOPMed 0.00012; 1000 Genomes Project 30x 0.00016; 1000 Genomes Project 0.00020.
gnomAD v4.1: 63 of 1,525,704 alleles (0.0041%); highest among the groups gnomAD compares: African/African-American, 0.025%; no homozygotes.

Submissions (4):

Labcorp Genetics (formerly Invitae), Labcorp
Classification: Uncertain significance for T-B+ severe combined immunodeficiency due to JAK3 deficiency. Last evaluated: 2025-10-29. Review status: criteria provided, single submitter. Criteria: Invitae Variant Classification Sherloc (09022015). Collection method: clinical testing. Allele origin: germline.
Comment: This sequence change falls in intron 17 of the JAK3 gene. It does not directly change the encoded amino acid sequence of the JAK3 protein. It affects a nucleotide within the consensus splice site. This variant is present in population databases (rs200193137, gnomAD 0.03%). This variant has not been reported in the literature in individuals affected with JAK3-related conditions. ClinVar contains an entry for this variant (Variation ID: 1063395). Variants that disrupt the consensus splice site are a relatively common cause of aberrant splicing (PMID: 17576681, 9536098). Algorithms developed to predict the effect of sequence changes on RNA splicing suggest that this variant is not likely to affect RNA splicing. In summary, the available evidence is currently insufficient to determine the role of this variant in disease. Therefore, it has been classified as a Variant of Uncertain Significance.

Blueprint Genetics
Classification: Likely benign. Last evaluated: 2024-06-17. Review status: criteria provided, single submitter. Criteria: ACMG Guidelines, 2015. Collection method: clinical testing. Allele origin: germline.

Women's Health and Genetics/Laboratory Corporation of America, LabCorp
Classification: Uncertain significance. Last evaluated: 2023-12-13. Review status: criteria provided, single submitter. Criteria: LabCorp Variant Classification Summary - May 2015. Collection method: clinical testing. Allele origin: germline.
Comment: Variant summary: JAK3 c.2350+6C>T alters a non-conserved nucleotide located close to a canonical splice site and therefore could affect mRNA splicing, leading to a significantly altered protein sequence. Consensus agreement among computation tools predict no significant impact on normal splicing. However, these predictions have yet to be confirmed by functional studies. The variant allele was found at a frequency of 4e-05 in 251050 control chromosomes. This frequency is not significantly higher than estimated for a pathogenic variant in JAK3 causing Severe Combined Immunodeficiency (4e-05 vs 0.00094), allowing no conclusion about variant significance. c.2350+6C>T has been reported in the literature in one homozygous individual affected with Severe Combined Immunodeficiency as part of a complex allele that also included the variant 2350+1G>T (Walshe_2009). This additional variant may directly impact splicing by itself because it occurs within the canonical 5' splice donor site, making the effect of the additional c.2350+6C>T variant unclear. Therefore, this report does not provide unequivocal conclusions about association of the variant with Severe Combined Immunodeficiency. To our knowledge, no experimental evidence demonstrating an impact on protein function has been reported. The following publication has been ascertained in the context of this evaluation (PMID: 19203666). Two submitters have cited clinical-significance assessments for this variant to ClinVar after 2014. All submitters classified the variant as uncertain significance. Based on the evidence outlined above, the variant was classified as uncertain significance.

Fulgent Genetics
Classification: Uncertain significance for T-B+ severe combined immunodeficiency due to JAK3 deficiency. Last evaluated: 2021-07-12. Review status: criteria provided, single submitter. Criteria: ACMG Guidelines, 2015. Collection method: clinical testing. Allele origin: unknown.

Literature cited by the submitters: PubMed 17576681 (cited by Labcorp Genetics (formerly Invitae), Labcorp); PubMed 9536098 (cited by Labcorp Genetics (formerly Invitae), Labcorp); PubMed 19203666 (cited by Women's Health and Genetics/Laboratory Corporation of America, LabCorp).

NM_000215.4(JAK3):c.2350+6C>T

Gene: JAK3 (Janus kinase 3; minus strand). Cytogenetic location: 19p13.11.
Variant type: single nucleotide variant.
Coding change: c.2350+6C>T on transcript NM_000215.4 (MANE Select); 6 bases into the intron after coding-DNA position 2350, C replaced by T.
Molecular consequence: intron variant.
Genome position (GRCh38, 1-based): chr19:17,834,565, G>A on the plus strand (C>T on the coding strand, the complement: JAK3 is on the minus strand). VCF-style: chr19-17834565-G-A. GRCh37 (hg19) VCF-style: chr19-17945374-G-A.
Identifiers: ClinVar variation 1063395 (VCV001063395.11), dbSNP rs200193137, ClinGen allele CA9301623.